The following is an entry in ClinVar:

ClinVar aggregate classification (germline): Uncertain significance (1 of 4 stars; one submission).

Allele frequency attached by ClinVar (database versions not stated): gnomAD exomes below 0.00001; ExAC 0.00001; gnomAD 0.00002; TOPMed 0.00003.
gnomAD v4.1: 6 of 1,573,462 alleles (0.00038%); highest among the groups gnomAD compares: African/African-American, 0.0068%; no homozygotes.

Submission:

Labcorp Genetics (formerly Invitae), Labcorp
Classification: Uncertain significance. Last evaluated: 2025-08-18. Review status: criteria provided, single submitter. Criteria: Invitae Variant Classification Sherloc (09022015). Collection method: clinical testing. Allele origin: germline.
Comment: This sequence change replaces leucine, which is neutral and non-polar, with phenylalanine, which is neutral and non-polar, at codon 180 of the ITGAM protein (p.Leu180Phe). This variant is present in population databases (rs754050762, gnomAD 0.007%). This variant has not been reported in the literature in individuals affected with ITGAM-related conditions. ClinVar contains an entry for this variant (Variation ID: 1422669). An algorithm developed to predict the effect of missense changes on protein structure and function outputs the following: PolyPhen-2: "Benign". The phenylalanine amino acid residue is found in multiple mammalian species, which suggests that this missense change does not adversely affect protein function. In summary, the available evidence is currently insufficient to determine the role of this variant in disease. Therefore, it has been classified as a Variant of Uncertain Significance.

NM_000632.4(ITGAM):c.540A>T (p.Leu180Phe)

Gene: ITGAM (integrin subunit alpha M; plus strand). Cytogenetic location: 16p11.2.
Variant type: single nucleotide variant.
Coding change: c.540A>T on transcript NM_000632.4 (MANE Select); coding-DNA position 540, A replaced by T.
Protein change: p.Leu180Phe; replaces leucine 180 with phenylalanine.
Molecular consequence: missense variant.
Genome position (GRCh38, 1-based): chr16:31,271,066, A>T. VCF-style: chr16-31271066-A-T. GRCh37 (hg19) VCF-style: chr16-31282387-A-T.
Other names: c.540A>T, p.Leu180Phe (NM_001145808.2); short protein forms L180F.
Identifiers: ClinVar variation 1422669 (VCV001422669.8), dbSNP rs754050762, ClinGen allele CA8025255.